The following is an entry in ClinVar:

ClinVar aggregate classification (germline): Uncertain significance (1 of 4 stars; one submission).

Conditions:
Developmental and epileptic encephalopathy, 32 (DEE32). Also called: Epileptic encephalopathy, early infantile, 32. Identifiers: Orphanet 442835, MedGen C4225350, MONDO:0014607, OMIM 616366.

Submission:

Labcorp Genetics (formerly Invitae), Labcorp
Classification: Uncertain significance for Developmental and epileptic encephalopathy, 32. Last evaluated: 2026-01-19. Review status: criteria provided, single submitter. Criteria: Invitae Variant Classification Sherloc (09022015). Collection method: clinical testing. Allele origin: germline.
Comment: This sequence change replaces serine, which is neutral and polar, with leucine, which is neutral and non-polar, at codon 176 of the KCNA2 protein (p.Ser176Leu). This variant is not present in population databases (gnomAD no frequency). This variant has not been reported in the literature in individuals affected with KCNA2-related conditions. ClinVar contains an entry for this variant (Variation ID: 3654555). Invitae Evidence Modeling of protein sequence and biophysical properties (such as structural, functional, and spatial information, amino acid conservation, physicochemical variation, residue mobility, and thermodynamic stability) indicates that this missense variant is expected to disrupt KCNA2 protein function with a positive predictive value of 95%. In summary, the available evidence is currently insufficient to determine the role of this variant in disease. Therefore, it has been classified as a Variant of Uncertain Significance.

NM_004974.4(KCNA2):c.527C>T (p.Ser176Leu)

Gene: KCNA2 (potassium voltage-gated channel subfamily A member 2; minus strand). Cytogenetic location: 1p13.3.
Variant type: single nucleotide variant.
Coding change: c.527C>T on transcript NM_004974.4 (MANE Select); coding-DNA position 527, C replaced by T.
Protein change: p.Ser176Leu; replaces serine 176 with leucine.
Molecular consequence: missense variant.
Genome position (GRCh38, 1-based): chr1:110,604,256, G>A on the plus strand (C>T on the coding strand, the complement: KCNA2 is on the minus strand). VCF-style: chr1-110604256-G-A. GRCh37 (hg19) VCF-style: chr1-111146878-G-A.
Other names: c.527C>T, p.Ser176Leu (NM_001204269.2); short protein forms S176L.
Identifiers: ClinVar variation 3654555 (VCV003654555.2).
Genomic context (GRCh38, chr1:110,604,256, plus strand): 5'-TGCATGTCTTCATTCTCATCCCGGAAGATGGGCAATGTTTCCAGACAGAAGCTGACAATT[G>A]AGATCAGAATCACCATGACAGACACAATAGCTATAATCCTGGCAGGCCCTGAGCTCTCTG-3'
Protein context (NP_004965.1, residues 166-186): AIVSVMVILI[Ser176Leu]IVSFCLETLP